The following is an entry in ClinVar:

NM_003482.4(KMT2D):c.8147C>T (p.Pro2716Leu)

Gene: KMT2D (lysine methyltransferase 2D; minus strand). Cytogenetic location: 12q13.12.
Variant type: single nucleotide variant.
Coding change: c.8147C>T on transcript NM_003482.4 (MANE Select); coding-DNA position 8147, C replaced by T.
Protein change: p.Pro2716Leu; replaces proline 2716 with leucine.
Molecular consequence: missense variant.
Genome position (GRCh38, 1-based): chr12:49,039,517, G>A on the plus strand (C>T on the coding strand, the complement: KMT2D is on the minus strand). VCF-style: chr12-49039517-G-A. GRCh37 (hg19) VCF-style: chr12-49433300-G-A.
Other names: short protein forms P2716L.
Identifiers: ClinVar variation 4804411 (VCV004804411.1).

ClinVar aggregate classification (germline): Uncertain significance (1 of 4 stars; one submission).

Conditions:
Kabuki syndrome. Also called: NIIKAWA-KUROKI SYNDROME; Kabuki make-up syndrome. Identifiers: Orphanet 2322, MedGen C0796004, MONDO:0016512.

gnomAD v4.1: 2 of 1,612,216 alleles (0.00012%); highest among the groups gnomAD compares: Admixed American, 0.0033%; no homozygotes.

Submission:

Labcorp Genetics (formerly Invitae), Labcorp
Classification: Uncertain significance for Kabuki syndrome. Last evaluated: 2025-03-15. Review status: criteria provided, single submitter. Criteria: Invitae Variant Classification Sherloc (09022015). Collection method: clinical testing. Allele origin: germline.
Comment: This sequence change replaces proline, which is neutral and non-polar, with leucine, which is neutral and non-polar, at codon 2716 of the KMT2D protein (p.Pro2716Leu). This variant is not present in population databases (gnomAD no frequency). This variant has not been reported in the literature in individuals affected with KMT2D-related conditions. Invitae Evidence Modeling of protein sequence and biophysical properties (such as structural, functional, and spatial information, amino acid conservation, physicochemical variation, residue mobility, and thermodynamic stability) indicates that this missense variant is not expected to disrupt KMT2D protein function with a negative predictive value of 95%. In summary, the available evidence is currently insufficient to determine the role of this variant in disease. Therefore, it has been classified as a Variant of Uncertain Significance.